The following is an entry in ClinVar:

ClinVar aggregate classification (germline): Uncertain significance (1 of 4 stars; one submission).

Conditions:
Cardiovascular phenotype. Identifiers: MedGen CN230736.

gnomAD v4.1: 2 of 1,549,224 alleles (0.00013%); highest among the groups gnomAD compares: African/African-American, 0.0014%; no homozygotes.

Submission:

Ambry Genetics
Classification: Uncertain significance for Cardiovascular phenotype. Last evaluated: 2026-08-16. Review status: criteria provided, single submitter. Criteria: Ambry Variant Classification Scheme 2023. Collection method: clinical testing. Allele origin: germline.
Comment: The p.H1608Y variant (also known as c.4822C>T), located in coding exon 2 of the ZNF469 gene, results from a C to T substitution at nucleotide position 4822. The histidine at codon 1608 is replaced by tyrosine, an amino acid with similar properties. This amino acid position is conserved. In addition, this alteration is predicted to be tolerated by in silico analysis. Based on the available evidence, the clinical significance of this variant remains unclear.

NM_001367624.2(ZNF469):c.4906C>T (p.His1636Tyr)

Gene: ZNF469 (zinc finger protein 469; plus strand). Cytogenetic location: 16q24.2.
Variant type: single nucleotide variant.
Coding change: c.4906C>T on transcript NM_001367624.2 (MANE Select); coding-DNA position 4906, C replaced by T.
Protein change: p.His1636Tyr; replaces histidine 1636 with tyrosine.
Molecular consequence: missense variant.
Genome position (GRCh38, 1-based): chr16:88,432,376, C>T. VCF-style: chr16-88432376-C-T. GRCh37 (hg19) VCF-style: chr16-88498784-C-T.
Other names: NM_001127464.1:c.4822C>T; short protein forms H1636Y.
Identifiers: ClinVar variation 5032253 (VCV005032253.1).
Genomic context (GRCh38, chr16:88,432,376, plus strand): 5'-GTGCCCCACGAGGACACGTTCTCGGCAGCTGACCTCACGCGCGTTGGAGAATCCACTGCA[C>T]ATCGGGAGGGTGCGGAATCGGCTGTGGCCACCGTGGAAGCGGTTCAGGGGAGGCCTGGGG-3'
Protein context (NP_001354553.1, residues 1626-1646): DLTRVGESTA[His1636Tyr]REGAESAVAT